The following is an entry in ClinVar:

NM_006494.4(ERF):c.1057A>G (p.Met353Val)

Gene: ERF (ETS2 repressor factor; minus strand). Cytogenetic location: 19q13.2.
Variant type: single nucleotide variant.
Coding change: c.1057A>G on transcript NM_006494.4 (MANE Select); coding-DNA position 1057, A replaced by G.
Protein change: p.Met353Val; replaces methionine 353 with valine.
Molecular consequence: missense variant.
Genome position (GRCh38, 1-based): chr19:42,249,055, T>C on the plus strand (A>G on the coding strand, the complement: ERF is on the minus strand). VCF-style: chr19-42249055-T-C. GRCh37 (hg19) VCF-style: chr19-42753207-T-C.
Other names: c.1057A>G (NM_006494.2); c.832A>G, p.Met278Val (NM_001301035.2, NM_001308402.2, NM_001312656.2); short protein forms M353V, M278V.
Identifiers: ClinVar variation 978496 (VCV000978496.11), dbSNP rs149405304, ClinGen allele CA9471268.

ClinVar aggregate classification (germline): Conflicting classifications of pathogenicity. Review status: criteria provided, conflicting classifications (1 of 4 stars). 2 submissions from 2 submitters: Uncertain significance (1); Likely benign (1). Last evaluated 2025-06-27.

Conditions:
TWIST1-related craniosynostosis (CRS1). Also called: CRANIOSYNOSTOSIS 1. Identifiers: Orphanet 63440, MedGen C4551902, MONDO:0007399, OMIM 123100. Inheritance: Heterogenous inheritance pattern.

Allele frequency attached by ClinVar (database versions not stated): gnomAD exomes 0.00009 and 0.00017; ExAC 0.00023; ESP Exome Variant Server 0.00071; 1000 Genomes Project 30x 0.00078; 1000 Genomes Project 0.00080; gnomAD 0.00081 and 0.00085; TOPMed 0.00093.
gnomAD v4.1: 251 of 1,612,528 alleles (0.016%); highest among the groups gnomAD compares: African/African-American, 0.3%; no homozygotes.

Submissions (2):

GeneDx
Classification: Uncertain significance. Last evaluated: 2025-06-27. Review status: criteria provided, single submitter. Criteria: GeneDx Variant Classification Process June 2021. Collection method: clinical testing. Allele origin: germline. Affected: yes.
Comment: In silico analysis suggests that this missense variant does not alter protein structure/function; Has not been previously published as pathogenic or benign to our knowledge

Labcorp Genetics (formerly Invitae), Labcorp
Classification: Likely benign for TWIST1-related craniosynostosis. Last evaluated: 2019-11-18. Review status: criteria provided, single submitter. Criteria: Invitae Variant Classification Sherloc (09022015). Collection method: clinical testing. Allele origin: germline.